The following is an entry in ClinVar:

ClinVar aggregate classification (germline): Pathogenic (1 of 4 stars; one submission).

Conditions:
Pleuropulmonary blastoma (PPB). Identifiers: Orphanet 64742, MedGen C1266144, MONDO:0011014, OMIM 601200, HP:0100528.

Submission:

St. Jude Molecular Pathology, St. Jude Children's Research Hospital
Classification: Pathogenic for Pleuropulmonary blastoma. Last evaluated: 2026-10-01. Review status: criteria provided, single submitter. Criteria: St. Jude Assertion Criteria 2020. Collection method: clinical testing. Allele origin: germline.
Comment: The DICER1 c.734+1G>T intronic change results in a G to T substitution at the +1 position of intron 6 of the DICER1 gene. This variant is predicted to result in aberrant splicing, resulting in nonsense-mediated decay or an abnormal protein product. This variant is also absent in gnomAD v2.1.1. In summary, this variant meets criteria to be classified as pathogenic.

NM_177438.3(DICER1):c.734+1G>T

Gene: DICER1 (dicer 1, ribonuclease III; minus strand). Cytogenetic location: 14q32.13.
Variant type: single nucleotide variant.
Coding change: c.734+1G>T on transcript NM_177438.3 (MANE Select); the canonical splice donor site of the intron after coding-DNA position 734, G replaced by T.
Molecular consequence: splice donor variant.
Genome position (GRCh38, 1-based): chr14:95,129,471, C>A on the plus strand (G>T on the coding strand, the complement: DICER1 is on the minus strand). VCF-style: chr14-95129471-C-A. GRCh37 (hg19) VCF-style: chr14-95595808-C-A.
Other names: c.734+1G>T (NM_001291628.2, NM_030621.4, NM_001395677.1 and 14 more transcripts); c.329+1G>T (NM_001395690.1, NM_001395687.1, NM_001395689.1 and 3 more transcripts); c.452+1G>T (NM_001395686.1); c.167+1G>T (NM_001395691.1); c.-835+1G>T (NM_001395697.1).
Identifiers: ClinVar variation 5038401 (VCV005038401.1).